The following is an entry in ClinVar:

NM_138701.4(MPLKIP):c.304G>A (p.Gly102Ser)

Gene: MPLKIP (M-phase specific PLK1 interacting protein; minus strand). Cytogenetic location: 7p14.1.
Variant type: single nucleotide variant.
Coding change: c.304G>A on transcript NM_138701.4 (MANE Select); coding-DNA position 304, G replaced by A.
Protein change: p.Gly102Ser; replaces glycine 102 with serine.
Molecular consequence: missense variant.
Genome position (GRCh38, 1-based): chr7:40,134,264, C>T on the plus strand (G>A on the coding strand, the complement: MPLKIP is on the minus strand). VCF-style: chr7-40134264-C-T. GRCh37 (hg19) VCF-style: chr7-40173863-C-T.
Other names: short protein forms G102S.
Identifiers: ClinVar variation 2003453 (VCV002003453.4), dbSNP rs1177311958, ClinGen allele CA367307985.

ClinVar aggregate classification (germline): Uncertain significance (1 of 4 stars; one submission).

Allele frequency attached by ClinVar (database versions not stated): gnomAD exomes below 0.00001.
gnomAD v4.1: 1 of 1,560,976 alleles (0.000064%); highest among the groups gnomAD compares: Non-Finnish European, 0.000087%; no homozygotes.

Submission:

Labcorp Genetics (formerly Invitae), Labcorp
Classification: Uncertain significance. Last evaluated: 2022-06-27. Review status: criteria provided, single submitter. Criteria: Invitae Variant Classification Sherloc (09022015). Collection method: clinical testing. Allele origin: germline.
Comment: This sequence change replaces glycine, which is neutral and non-polar, with serine, which is neutral and polar, at codon 102 of the MPLKIP protein (p.Gly102Ser). This variant is not present in population databases (gnomAD no frequency). This variant has not been reported in the literature in individuals affected with MPLKIP-related conditions. In summary, the available evidence is currently insufficient to determine the role of this variant in disease. Therefore, it has been classified as a Variant of Uncertain Significance. Algorithms developed to predict the effect of missense changes on protein structure and function are either unavailable or do not agree on the potential impact of this missense change (SIFT: "Tolerated"; PolyPhen-2: "Probably Damaging"; Align-GVGD: "Class C0").